The following is an entry in ClinVar:

ClinVar aggregate classification (germline): Conflicting classifications of pathogenicity. Review status: criteria provided, conflicting classifications (1 of 4 stars). 3 submissions from 3 submitters: Uncertain significance (2); Likely benign (1). Last evaluated 2024-05-15.

Conditions:
GRIN2A-related complex neurodevelopmental disorder. Also called: GRIN2A-related disorder; GRIN2A-related condition. Identifiers: MedGen CN379781, MONDO:1060139.
Landau-Kleffner syndrome (FESD). Also called: EPILEPSY, FOCAL, WITH SPEECH DISORDER AND WITH OR WITHOUT MENTAL RETARDATION; APHASIA, ACQUIRED, WITH EPILEPSY. Identifiers: Orphanet 1945, Orphanet 725, Orphanet 98818, MedGen C0282512, MONDO:0009509, OMIM 245570.

Allele frequency attached by ClinVar (database versions not stated): TOPMed 0.00002.
gnomAD v4.1: 3 of 1,613,970 alleles (0.00019%); highest among the groups gnomAD compares: African/African-American, 0.0013%; no homozygotes.

Submissions (3):

Labcorp Genetics (formerly Invitae), Labcorp
Classification: Likely benign for Landau-Kleffner syndrome. Last evaluated: 2024-05-15. Review status: criteria provided, single submitter. Criteria: Invitae Variant Classification Sherloc (09022015). Collection method: clinical testing. Allele origin: germline.

PreventionGenetics, part of Exact Sciences
Classification: Uncertain significance for GRIN2A-related condition. Last evaluated: 2023-06-05. Review status: criteria provided, single submitter. Criteria: ACMG Guidelines, 2015. Collection method: clinical testing. Allele origin: germline.
Comment: The GRIN2A c.916A>T variant is predicted to result in the amino acid substitution p.Met306Leu. To our knowledge, this variant has not been reported in the literature. This variant is reported in 0.00088% of alleles in individuals of European (Non-Finnish) descent in gnomAD. At this time, the clinical significance of this variant is uncertain due to the absence of conclusive functional and genetic evidence.

Athena Diagnostics
Classification: Uncertain significance. Last evaluated: 2020-01-10. Review status: criteria provided, single submitter. Criteria: Athena Diagnostics Criteria. Collection method: clinical testing. Allele origin: unknown.

NM_001134407.3(GRIN2A):c.916A>T (p.Met306Leu)

Gene: GRIN2A (glutamate ionotropic receptor NMDA type subunit 2A; minus strand). Cytogenetic location: 16p13.2.
Variant type: single nucleotide variant.
Coding change: c.916A>T on transcript NM_001134407.3 (MANE Select); coding-DNA position 916, A replaced by T.
Protein change: p.Met306Leu; replaces methionine 306 with leucine.
Molecular consequence: missense variant.
Genome position (GRCh38, 1-based): chr16:9,938,050, T>A on the plus strand (A>T on the coding strand, the complement: GRIN2A is on the minus strand). VCF-style: chr16-9938050-T-A. GRCh37 (hg19) VCF-style: chr16-10031907-T-A.
Other names: c.916A>T, p.Met306Leu (NM_000833.5, NM_001134408.2); short protein forms M306L.
Identifiers: ClinVar variation 656185 (VCV000656185.14), dbSNP rs778386295, ClinGen allele CA7896879.